The following is an entry in ClinVar:

ClinVar aggregate classification (germline): Uncertain significance. Review status: criteria provided, multiple submitters, no conflicts (2 of 4 stars). 2 submissions from 2 submitters: Uncertain significance (2). Last evaluated 2023-10-06.

Conditions:
Inborn genetic diseases. Identifiers: MedGen C0950123, MeSH D030342.

Allele frequency attached by ClinVar (database versions not stated): gnomAD 0.00001; gnomAD exomes 0.00001; ExAC 0.00003.
gnomAD v4.1: 10 of 1,613,746 alleles (0.00062%); highest among the groups gnomAD compares: East Asian, 0.02%; no homozygotes.

Submissions (2):

Ambry Genetics
Classification: Uncertain significance for Inborn genetic diseases. Last evaluated: 2023-10-06. Review status: criteria provided, single submitter. Criteria: Ambry Variant Classification Scheme 2023. Collection method: clinical testing. Allele origin: germline.

Labcorp Genetics (formerly Invitae), Labcorp
Classification: Uncertain significance. Last evaluated: 2022-02-13. Review status: criteria provided, single submitter. Criteria: Invitae Variant Classification Sherloc (09022015). Collection method: clinical testing. Allele origin: germline.
Comment: Algorithms developed to predict the effect of missense changes on protein structure and function are either unavailable or do not agree on the potential impact of this missense change (SIFT: "Deleterious"; PolyPhen-2: "Probably Damaging"; Align-GVGD: "Class C0"). This variant has not been reported in the literature in individuals affected with KIAA1549-related conditions. This variant is present in population databases (rs761135232, gnomAD 0.03%). This sequence change replaces glutamine, which is neutral and polar, with histidine, which is basic and polar, at codon 1942 of the KIAA1549 protein (p.Gln1942His). In summary, the available evidence is currently insufficient to determine the role of this variant in disease. Therefore, it has been classified as a Variant of Uncertain Significance.

NM_001164665.2(KIAA1549):c.5826G>C (p.Gln1942His)

Gene: KIAA1549 (KIAA1549; minus strand). Cytogenetic location: 7q34.
Variant type: single nucleotide variant.
Coding change: c.5826G>C on transcript NM_001164665.2 (MANE Select); coding-DNA position 5826, G replaced by C.
Protein change: p.Gln1942His; replaces glutamine 1942 with histidine.
Molecular consequence: missense variant.
Genome position (GRCh38, 1-based): chr7:138,837,933, C>G on the plus strand (G>C on the coding strand, the complement: KIAA1549 is on the minus strand). VCF-style: chr7-138837933-C-G. GRCh37 (hg19) VCF-style: chr7-138522678-C-G.
Other names: c.5778G>C, p.Gln1926His (NM_020910.3); c.5826G>C (NM_001164665.1); short protein forms Q1926H, Q1942H.
Identifiers: ClinVar variation 1905946 (VCV001905946.6), dbSNP rs761135232, ClinGen allele CA4505459.